The following is an entry in ClinVar:

NM_020706.2(SCAF4):c.2908_2925del (p.Ser970_Pro975del)

Gene: SCAF4 (SR-related CTD associated factor 4; minus strand). Cytogenetic location: 21q22.11.
Variant type: Deletion.
Coding change: c.2908_2925del on transcript NM_020706.2 (MANE Select); coding-DNA positions 2908 to 2925, 18 bases deleted (TCACAACAGCCTCCACCA).
Protein change: p.Ser970_Pro975del.
Genome position (GRCh38, 1-based): chr21:31,671,918-31,671,935, TGGTGGAGGCTGTTGTGA deleted on the plus strand (TCACAACAGCCTCCACCA on the coding strand, the reverse complement: SCAF4 is on the minus strand); deleting any 18 consecutive bases within chr21:31,671,918-31,671,941 gives the same sequence; the c. name uses the placement nearest the transcript's 3' end. VCF-style (leftmost placement, unchanged base first): chr21-31671917-TTGGTGGAGGCTGTTGTGA-T. GRCh37 (hg19) VCF-style: chr21-33044230-TTGGTGGAGGCTGTTGTGA-T.
Other names: c.2863_2880del, p.Ser955_Pro960del (NM_001145444.1); c.2842_2859del, p.Ser948_Pro953del (NM_001145445.1).
Identifiers: ClinVar variation 3370940 (VCV003370940.1).

ClinVar aggregate classification (germline): Uncertain significance (1 of 4 stars; one submission).

Submission:

GeneDx
Classification: Uncertain significance. Last evaluated: 2024-03-13. Review status: criteria provided, single submitter. Criteria: GeneDx Variant Classification Process June 2021. Collection method: clinical testing. Allele origin: germline. Affected: yes.
Comment: In-frame deletion of 6 amino acids in a non-repeat region; In silico analysis supports that this variant does not alter protein structure/function; Has not been previously published as pathogenic or benign to our knowledge